The following is an entry in ClinVar:

ClinVar aggregate classification (germline): Uncertain significance (1 of 4 stars; one submission).

Conditions:
Early-infantile DEE. Also called: Early infantile epileptic encephalopathy with suppression bursts; Early infantile epileptic encephalopathy; Ohtahara syndrome. Identifiers: Orphanet 1934, MedGen C0393706, MONDO:0800491.

Submission:

Labcorp Genetics (formerly Invitae), Labcorp
Classification: Uncertain significance for Early-infantile DEE. Last evaluated: 2021-06-06. Review status: criteria provided, single submitter. Criteria: Invitae Variant Classification Sherloc (09022015). Collection method: clinical testing. Allele origin: germline.
Comment: This sequence change replaces glycine with alanine at codon 1742 of the SCN8A protein (p.Gly1742Ala). The glycine residue is highly conserved and there is a small physicochemical difference between glycine and alanine. This variant is not present in population databases (ExAC no frequency). This variant has not been reported in the literature in individuals with SCN8A-related conditions. Algorithms developed to predict the effect of missense changes on protein structure and function are either unavailable or do not agree on the potential impact of this missense change (SIFT: "Deleterious"; PolyPhen-2: "Probably Damaging"; Align-GVGD: "Class C0"). In summary, the available evidence is currently insufficient to determine the role of this variant in disease. Therefore, it has been classified as a Variant of Uncertain Significance.

NM_001330260.2(SCN8A):c.5225G>C (p.Gly1742Ala)

Gene: SCN8A (sodium voltage-gated channel alpha subunit 8; plus strand). Cytogenetic location: 12q13.13.
Variant type: single nucleotide variant.
Coding change: c.5225G>C on transcript NM_001330260.2 (MANE Select); coding-DNA position 5225, G replaced by C.
Protein change: p.Gly1742Ala; replaces glycine 1742 with alanine.
Molecular consequence: missense variant.
Genome position (GRCh38, 1-based): chr12:51,806,711, G>C. VCF-style: chr12-51806711-G-C. GRCh37 (hg19) VCF-style: chr12-52200495-G-C.
Other names: c.5102G>C, p.Gly1701Ala (NM_001177984.3, NM_001369788.1); c.5225G>C, p.Gly1742Ala (NM_014191.4); short protein forms G1701A, G1742A.
Identifiers: ClinVar variation 1399569 (VCV001399569.9), dbSNP rs2138943188, ClinGen allele CA384884637.